The following is an entry in ClinVar:

ClinVar aggregate classification (germline): Uncertain significance (1 of 4 stars; one submission).

Conditions:
DOCK4-related neurodevelopmental disorder.

Submission:

Dasa
Classification: Uncertain significance for DOCK4-related neurodevelopmental disorder. Last evaluated: 2026-02-25. Review status: criteria provided, single submitter. Criteria: DASA Assertion Criteria. Collection method: clinical testing. Allele origin: germline.
Comment: NM_001363540.2(DOCK4):c.5652_5663del (p.Leu1885_Pro1888del) is an in-frame deletion predicted to remove amino acids from leucine at protein position 1885 through proline at protein position 1888 without shifting the reading frame. This variant is rare in population databases. The currently available literature and clinical evidence are not sufficient to establish a definitive association between this variant and the reported condition. Therefore, this variant is classified as a variant of uncertain significance.

NM_001363540.2(DOCK4):c.5652_5663del (p.Leu1885_Pro1888del)

Gene: DOCK4 (dedicator of cytokinesis 4; minus strand). Cytogenetic location: 7q31.1.
Variant type: Deletion.
Coding change: c.5652_5663del on transcript NM_001363540.2 (MANE Select); coding-DNA positions 5652 to 5663, 12 bases deleted (CCTGCCGGTGCC).
Protein change: p.Leu1885_Pro1888del.
Molecular consequence: inframe deletion.
Genome position (GRCh38, 1-based): chr7:111,728,539-111,728,550, GGCACCGGCAGG deleted on the plus strand (CCTGCCGGTGCC on the coding strand, the reverse complement: DOCK4 is on the minus strand); deleting any 12 consecutive bases within chr7:111,728,539-111,728,552 gives the same sequence; the c. name uses the placement nearest the transcript's 3' end. VCF-style (leftmost placement, unchanged base first): chr7-111728538-TGGCACCGGCAGG-T. GRCh37 (hg19) VCF-style: chr7-111368594-TGGCACCGGCAGG-T.
Other names: c.5625_5636del, p.Leu1876_Pro1879del (NM_014705.4).
Identifiers: ClinVar variation 4884115 (VCV004884115.2).